The following is an entry in ClinVar:

ClinVar aggregate classification (germline): Conflicting classifications of pathogenicity. Review status: criteria provided, conflicting classifications (1 of 4 stars). 5 submissions from 4 submitters: Uncertain significance (4); Likely benign (1). Last evaluated 2025-12-16.

Conditions:
Heart disease. Also called: Heart Diseases; Cardiac disease. Identifiers: MedGen C0018799, MONDO:0005267.
Atrial fibrillation, familial, 7 (ATFB7). Identifiers: MedGen C2677106, MONDO:0012828, OMIM 612240.

Allele frequency attached by ClinVar (database versions not stated): gnomAD 0.00017 and 0.00018; TOPMed 0.00017; ESP Exome Variant Server 0.00023.

Submissions (5):

Labcorp Genetics (formerly Invitae), Labcorp
Classification: Uncertain significance for Atrial fibrillation, familial, 7. Last evaluated: 2025-12-16. Review status: criteria provided, single submitter. Criteria: Invitae Variant Classification Sherloc (09022015). Collection method: clinical testing. Allele origin: germline.
Comment: This sequence change replaces glycine, which is neutral and non-polar, with valine, which is neutral and non-polar, at codon 568 of the KCNA5 protein (p.Gly568Val). This variant is present in population databases (rs71581017, gnomAD 0.04%). This missense change has been observed in individual(s) with atrial fibrillation (AF) and in an unrelated individual with AF. However, in a separate study, this variant was not observed in any of the participants of an AF cohort and was only observed in several control individuals without a history of AF (PMID: 22402074, 23264583, 25410959). It has also been observed to segregate with disease in related individuals. ClinVar contains an entry for this variant (Variation ID: 374033). An algorithm developed to predict the effect of missense changes on protein structure and function outputs the following: PolyPhen-2: "Benign". The valine amino acid residue is found in multiple mammalian species, which suggests that this missense change does not adversely affect protein function. Experimental studies are conflicting or provide insufficient evidence to determine the effect of this variant on KCNA5 function (PMID: 22402074). In summary, the available evidence is currently insufficient to determine the role of this variant in disease. Therefore, it has been classified as a Variant of Uncertain Significance.

GeneDx
Classification: Uncertain significance. Last evaluated: 2025-05-29. Review status: criteria provided, single submitter. Criteria: GeneDx Variant Classification Process June 2021. Collection method: clinical testing. Allele origin: germline. Affected: yes.
Comment: Identified in several patients with atrial fibrillation as well as healthy controls in the published literature and this variant segregated with disease in one family (PMID: 22402074, 23264583, 25410959); In silico analysis suggests that this missense variant does not alter protein structure/function; This variant is associated with the following publications: (PMID: 25410959, 22402074, 23264583)

Blueprint Genetics
Classification: Likely benign. Last evaluated: 2024-09-14. Review status: criteria provided, single submitter. Criteria: ACMG Guidelines, 2015. Collection method: clinical testing. Allele origin: germline.

Centre for Mendelian Genomics, University Medical Centre Ljubljana
Classification: Uncertain significance for Atrial fibrillation, familial, 7. Last evaluated: 2016-01-01. Review status: criteria provided, single submitter. Criteria: ACMG Guidelines, 2015. Collection method: clinical testing. Allele origin: unknown. Affected: yes.
Comment: This variant was classified as: Uncertain significance.

Centre for Mendelian Genomics, University Medical Centre Ljubljana
Classification: Uncertain significance for Cardiac disease. Last evaluated: 2015-11-18. Review status: criteria provided, single submitter. Criteria: ACMG Guidelines, 2015. Collection method: clinical testing. Allele origin: unknown. Affected: yes.

Literature cited by the submitters: PubMed 22402074 (cited by Labcorp Genetics (formerly Invitae), Labcorp); PubMed 23264583 (cited by Labcorp Genetics (formerly Invitae), Labcorp); PubMed 25410959 (cited by Labcorp Genetics (formerly Invitae), Labcorp).

NM_002234.4(KCNA5):c.1703G>T (p.Gly568Val)

Gene: KCNA5 (potassium voltage-gated channel subfamily A member 5; plus strand). Cytogenetic location: 12p13.32.
Variant type: single nucleotide variant.
Coding change: c.1703G>T on transcript NM_002234.4 (MANE Select); coding-DNA position 1703, G replaced by T.
Protein change: p.Gly568Val; replaces glycine 568 with valine.
Molecular consequence: missense variant.
Genome position (GRCh38, 1-based): chr12:5,045,850, G>T. VCF-style: chr12-5045850-G-T. GRCh37 (hg19) VCF-style: chr12-5155016-G-T.
Other names: short protein forms G568V.
Identifiers: ClinVar variation 374033 (VCV000374033.18), dbSNP rs71581017, ClinGen allele CA6399927.
Genomic context (GRCh38, chr12:5,045,850, plus strand): 5'-TGGACAGAGGAGTCCAGCGGAAGGTCAGCGGGAGCAGGGGATCCTTCTGCAAGGCTGGGG[G>T]GACCCTGGAGAATGCAGACAGTGCCCGAAGGGGCAGCTGCCCCCTAGAGAAGTGTAACGT-3'
Protein context (NP_002225.2, residues 558-578): GSRGSFCKAG[Gly568Val]TLENADSARR